The following is an entry in ClinVar:

NM_004483.5(GCSH):c.28C>T (p.Arg10Trp)

Genes: GCSH (glycine cleavage system protein H; minus strand), LOC130059495 (ATAC-STARR-seq lymphoblastoid silent region 7751; plus strand). Cytogenetic location: 16q23.2.
Variant type: single nucleotide variant.
Coding change: c.28C>T on transcript NM_004483.5 (MANE Select); coding-DNA position 28, C replaced by T.
Protein change: p.Arg10Trp; replaces arginine 10 with tryptophan.
Molecular consequence: missense variant. On other transcripts: non-coding transcript variant (1).
Genome position (GRCh38, 1-based): chr16:81,096,251, G>A on the plus strand (C>T on the coding strand, the complement: GCSH is on the minus strand). VCF-style: chr16-81096251-G-A. GRCh37 (hg19) VCF-style: chr16-81129856-G-A.
Other names: short protein forms R10W.
Identifiers: ClinVar variation 936003 (VCV000936003.10), dbSNP rs1254680841, ClinGen allele CA396889527.
Genomic context (GRCh38, chr16:81,096,251, plus strand): 5'-GCCTCGGCGGGCAGGGCGCGGCGGGTGACGGGACCGCGCGCAGGGTGCAGAGCAGGGCCC[G>A]CACGCTCCGCACCACTCGCAGCGCCATGTTCGCAGGGGTGCGGGGGTCGCAGCGCTACGC-3'
Protein context (NP_004474.2, residues 1-20): MALRVVRSV[Arg10Trp]ALLCTLRAVP

ClinVar aggregate classification (germline): Uncertain significance (1 of 4 stars; one submission).

Conditions:
Glycine encephalopathy. Also called: Nonketotic hyperglycinemia; Non-ketotic hyperglycinemia. Identifiers: Orphanet 407, MedGen C0751748, MONDO:0011612, HP:0008288.

Allele frequency attached by ClinVar (database versions not stated): gnomAD 0.00001.

Submission:

Labcorp Genetics (formerly Invitae), Labcorp
Classification: Uncertain significance for Glycine encephalopathy. Last evaluated: 2021-02-04. Review status: criteria provided, single submitter. Criteria: Invitae Variant Classification Sherloc (09022015). Collection method: clinical testing. Allele origin: germline.
Comment: In summary, the available evidence is currently insufficient to determine the role of this variant in disease. Therefore, it has been classified as a Variant of Uncertain Significance. Algorithms developed to predict the effect of missense changes on protein structure and function are either unavailable or do not agree on the potential impact of this missense change (SIFT: "Deleterious"; PolyPhen-2: "Benign"; Align-GVGD: "Class C0"). This variant has not been reported in the literature in individuals with GCSH-related conditions. The frequency data for this variant in the population databases is considered unreliable, as metrics indicate insufficient coverage at this position in the ExAC database. This sequence change replaces arginine with tryptophan at codon 10 of the GCSH protein (p.Arg10Trp). The arginine residue is weakly conserved and there is a moderate physicochemical difference between arginine and tryptophan.